The following is an entry in ClinVar:

NM_004447.6(EPS8):c.1876C>A (p.Pro626Thr)

Gene: EPS8 (EGFR pathway substrate 8, signaling adaptor; minus strand). Cytogenetic location: 12p12.3.
Variant type: single nucleotide variant.
Coding change: c.1876C>A on transcript NM_004447.6 (MANE Select); coding-DNA position 1876, C replaced by A.
Protein change: p.Pro626Thr; replaces proline 626 with threonine.
Molecular consequence: missense variant.
Genome position (GRCh38, 1-based): chr12:15,631,610, G>T on the plus strand (C>A on the coding strand, the complement: EPS8 is on the minus strand). VCF-style: chr12-15631610-G-T. GRCh37 (hg19) VCF-style: chr12-15784544-G-T.
Other names: short protein forms P626T.
Identifiers: ClinVar variation 501016 (VCV000501016.46), dbSNP rs142733590, ClinGen allele CA6467417.
Genomic context (GRCh38, chr12:15,631,610, plus strand): 5'-GAACAGGTGCTGGAGTGGAAGGGGGAAGGGGAACAGGAACAGGAGCTGGTGTTGGAGGAG[G>T]TGATGGAGCAGGGGGAGTATCAGCTGGTCTTGGGCCATACTCCATCCTTTGTTTCTATAA-3'
Protein context (NP_004438.3, residues 616-636): RPADTPPAPS[Pro626Thr]PPTPAPVPVP

ClinVar aggregate classification (germline): Conflicting classifications of pathogenicity. Review status: criteria provided, conflicting classifications (1 of 4 stars). 6 submissions from 6 submitters: Uncertain significance (1); Likely benign (4). 1 of the submissions does not count toward it. Last evaluated 2026-01-01.

Conditions:
EPS8-related disorder. Also called: EPS8-related condition.

Allele frequency attached by ClinVar (database versions not stated): 1000 Genomes Project 0.00040; 1000 Genomes Project 30x 0.00062; gnomAD exomes 0.00182; ExAC 0.00189; ESP Exome Variant Server 0.00192; gnomAD 0.00203 and 0.00215; TOPMed 0.00205.
gnomAD v4.1: 4,805 of 1,614,042 alleles (0.3%); highest among the groups gnomAD compares: Non-Finnish European, 0.38%; 17 homozygotes.

Submissions (6):

Labcorp Genetics (formerly Invitae), Labcorp
Classification: Likely benign. Last evaluated: 2026-01-01. Review status: criteria provided, single submitter. Criteria: Invitae Variant Classification Sherloc (09022015). Collection method: clinical testing. Allele origin: germline.

CeGaT Center for Human Genetics Tuebingen
Classification: Likely benign. Last evaluated: 2025-03-01. Review status: criteria provided, single submitter. Criteria: CeGaT Center For Human Genetics Tuebingen Variant Classification Criteria Version 2. Collection method: clinical testing. Allele origin: germline. Affected: yes. Observed: 3 variant alleles.
Comment: EPS8: BS2

Blueprint Genetics
Classification: Likely benign. Last evaluated: 2024-11-27. Review status: criteria provided, single submitter. Criteria: ACMG Guidelines, 2015. Collection method: clinical testing. Allele origin: germline.

GeneDx
Classification: Likely benign. Last evaluated: 2020-10-15. Review status: criteria provided, single submitter. Criteria: GeneDx Variant Classification Process June 2021. Collection method: clinical testing. Allele origin: germline. Affected: yes.

Eurofins Ntd Llc (ga)
Classification: Uncertain significance. Last evaluated: 2018-03-20. Review status: criteria provided, single submitter. Criteria: EGL ClinVar v180209 classification definitions. Collection method: clinical testing. Allele origin: germline. Observed: 3 variant alleles, 3 heterozygotes.

PreventionGenetics, part of Exact Sciences
Classification: Likely benign for EPS8-related condition. Last evaluated: 2022-01-31. Review status: no assertion criteria provided. Collection method: clinical testing. Allele origin: germline. Not counted in ClinVar's aggregate classification.
Comment: This variant is classified as likely benign based on ACMG/AMP sequence variant interpretation guidelines (Richards et al. 2015 PMID: 25741868, with internal and published modifications).